The following is an entry in ClinVar:

NM_004714.3(DYRK1B):c.267C>G (p.Asn89Lys)

Gene: DYRK1B (dual specificity tyrosine phosphorylation regulated kinase 1B; minus strand). Cytogenetic location: 19q13.2.
Variant type: single nucleotide variant.
Coding change: c.267C>G on transcript NM_004714.3 (MANE Select); coding-DNA position 267, C replaced by G.
Protein change: p.Asn89Lys; replaces asparagine 89 with lysine.
Molecular consequence: missense variant.
Genome position (GRCh38, 1-based): chr19:39,830,480, G>C on the plus strand (C>G on the coding strand, the complement: DYRK1B is on the minus strand). VCF-style: chr19-39830480-G-C. GRCh37 (hg19) VCF-style: chr19-40321120-G-C.
Other names: c.267C>G, p.Asn89Lys (NM_006483.3, NM_006484.3); short protein forms N89K.
Identifiers: ClinVar variation 3631848 (VCV003631848.2).

ClinVar aggregate classification (germline): Uncertain significance (1 of 4 stars; one submission).

Submission:

Labcorp Genetics (formerly Invitae), Labcorp
Classification: Uncertain significance. Last evaluated: 2024-08-13. Review status: criteria provided, single submitter. Criteria: Invitae Variant Classification Sherloc (09022015). Collection method: clinical testing. Allele origin: germline.
Comment: This sequence change replaces asparagine, which is neutral and polar, with lysine, which is basic and polar, at codon 89 of the DYRK1B protein (p.Asn89Lys). This variant is not present in population databases (gnomAD no frequency). This variant has not been reported in the literature in individuals affected with DYRK1B-related conditions. Advanced modeling of protein sequence and biophysical properties (such as structural, functional, and spatial information, amino acid conservation, physicochemical variation, residue mobility, and thermodynamic stability) performed at Invitae indicates that this missense variant is not expected to disrupt DYRK1B protein function with a negative predictive value of 95%. In summary, the available evidence is currently insufficient to determine the role of this variant in disease. Therefore, it has been classified as a Variant of Uncertain Significance.